The following is an entry in ClinVar:

NM_002227.4(JAK1):c.116TCT[1] (p.Phe40del)

Genes: JAK1 (Janus kinase 1; minus strand), LOC129930680 (ATAC-STARR-seq lymphoblastoid active region 1132; plus strand). Cytogenetic location: 1p31.3.
Variant type: Microsatellite.
Coding change: c.116TCT[1] on transcript NM_002227.4 (MANE Select); one copy of the 3-base unit TCT starting at c.116; the reference has two copies in a row; one copy, 3 bases deleted.
Protein change: p.Phe40del; deletes phenylalanine 40.
Molecular consequence: inframe deletion.
Genome position (GRCh38, 1-based): chr1:64,883,361-64,883,363, AGA deleted on the plus strand (TCT on the coding strand, the reverse complement: JAK1 is on the minus strand); deleting any 3 consecutive bases within chr1:64,883,361-64,883,366 gives the same sequence; the position shown is the placement nearest the transcript's 3' end. VCF-style (leftmost placement, unchanged base first): chr1-64883360-TAGA-T. GRCh37 (hg19) VCF-style: chr1-65349043-TAGA-T.
Other names: c.116TCT[1], p.Phe40del (NM_001320923.2, NM_001321852.2, NM_001321853.2 and 4 more transcripts); short protein forms F40del.
Identifiers: ClinVar variation 1986378 (VCV001986378.4), dbSNP rs1184565600, ClinGen allele CA737908127.

ClinVar aggregate classification (germline): Uncertain significance (1 of 4 stars; one submission).

Submission:

Labcorp Genetics (formerly Invitae), Labcorp
Classification: Uncertain significance. Last evaluated: 2025-12-30. Review status: criteria provided, single submitter. Criteria: Invitae Variant Classification Sherloc (09022015). Collection method: clinical testing. Allele origin: germline.
Comment: This variant, c.119_121del, results in the deletion of 1 amino acid(s) of the JAK1 protein (p.Phe40del), but otherwise preserves the integrity of the reading frame. This variant is not present in population databases (gnomAD no frequency). This variant has not been reported in the literature in individuals affected with JAK1-related conditions. Experimental studies and prediction algorithms are not available or were not evaluated, and the functional significance of this variant is currently unknown. In summary, the available evidence is currently insufficient to determine the role of this variant in disease. Therefore, it has been classified as a Variant of Uncertain Significance.